The following is an entry in ClinVar:

NM_016239.4(MYO15A):c.5356G>A (p.Glu1786Lys)

Gene: MYO15A (myosin XVA; plus strand). Cytogenetic location: 17p11.2.
Variant type: single nucleotide variant.
Coding change: c.5356G>A on transcript NM_016239.4 (MANE Select); coding-DNA position 5356, G replaced by A.
Protein change: p.Glu1786Lys; replaces glutamic acid 1786 with lysine.
Molecular consequence: missense variant.
Genome position (GRCh38, 1-based): chr17:18,140,661, G>A. VCF-style: chr17-18140661-G-A. GRCh37 (hg19) VCF-style: chr17-18043975-G-A.
Other names: short protein forms E1786K.
Identifiers: ClinVar variation 4540120 (VCV004540120.1).

ClinVar aggregate classification (germline): Uncertain significance (1 of 4 stars; one submission).

gnomAD v4.1: 1 of 1,613,968 alleles (0.000062%); highest among the groups gnomAD compares: Non-Finnish European, 0.000085%; no homozygotes.

Submission:

GeneDx
Classification: Uncertain significance. Last evaluated: 2025-06-26. Review status: criteria provided, single submitter. Criteria: GeneDx Variant Classification Process June 2021. Collection method: clinical testing. Allele origin: germline. Affected: yes.
Comment: Not observed at significant frequency in large population cohorts (gnomAD); In silico analysis suggests that this missense variant does not alter protein structure/function; Has not been previously published as pathogenic or benign to our knowledge